The following is an entry in ClinVar:

NM_004667.6(HERC2):c.2783G>A (p.Arg928Gln)

Gene: HERC2 (HECT and RLD domain containing E3 ubiquitin protein ligase 2; minus strand). Cytogenetic location: 15q13.1.
Variant type: single nucleotide variant.
Coding change: c.2783G>A on transcript NM_004667.6 (MANE Select); coding-DNA position 2783, G replaced by A.
Protein change: p.Arg928Gln; replaces arginine 928 with glutamine.
Molecular consequence: missense variant.
Genome position (GRCh38, 1-based): chr15:28,255,960, C>T on the plus strand (G>A on the coding strand, the complement: HERC2 is on the minus strand). VCF-style: chr15-28255960-C-T. GRCh37 (hg19) VCF-style: chr15-28501106-C-T.
Other names: short protein forms R928Q.
Identifiers: ClinVar variation 3376662 (VCV003376662.1).

ClinVar aggregate classification (germline): Uncertain significance (1 of 4 stars; one submission).

Conditions:
Developmental delay with autism spectrum disorder and gait instability (MRT38). Also called: Intellectual developmental disorder, autosomal recessive 38. Identifiers: Orphanet 329195, MedGen C3809753, MONDO:0014224, OMIM 615516.

gnomAD v4.1: 8 of 1,606,026 alleles (0.0005%); highest among the groups gnomAD compares: Admixed American, 0.0017%; no homozygotes.

Submission:

Victorian Clinical Genetics Services, Murdoch Childrens Research Institute
Classification: Uncertain significance for Developmental delay with autism spectrum disorder and gait instability. Last evaluated: 2024-10-09. Review status: criteria provided, single submitter. Criteria: ACMG Guidelines, 2015. Collection method: clinical testing. Allele origin: germline. Inheritance: Autosomal recessive inheritance. Affected: yes.
Comment: Based on the classification scheme VCGS_Germline_v1.3.4, this variant is classified as VUS-3B. Following criteria are met: 0102 - Loss of function is a known mechanism of disease in this gene and is associated with autosomal recessive intellectual developmental disorder 38 (MIM#615516). (I) 0106 - This gene is associated with autosomal recessive disease. (I) 0200 - Variant is predicted to result in a missense amino acid change from arginine to glutamine. (I) 0251 - This variant is heterozygous. (I) 0304 - Variant is present in gnomAD (v2) <0.01 for a recessive condition (3 heterozygotes, 0 homozygotes). (SP) 0502 - Missense variant with conflicting in silico predictions and high conservation. (I) 0604 - Variant is not located in an established domain, motif, hotspot or informative constraint region. (I) 0705 - No comparable missense variants have previous evidence for pathogenicity. (I) 0807 - This variant has no previous evidence of pathogenicity. (I) 0905 - No published segregation evidence has been identified for this variant. (I) 1007 - No published functional evidence has been identified for this variant. (I) 1208 - Inheritance information for this variant is not currently available in this individual. (I) Legend: (SP) - Supporting pathogenic, (I) - Information, (SB) - Supporting benign